The following is an entry in ClinVar:

NM_006912.6(RIT1):c.359G>A (p.Arg120Gln)

Gene: RIT1 (Ras like without CAAX 1; minus strand). Cytogenetic location: 1q22.
Variant type: single nucleotide variant.
Coding change: c.359G>A on transcript NM_006912.6 (MANE Select); coding-DNA position 359, G replaced by A.
Protein change: p.Arg120Gln; replaces arginine 120 with glutamine.
Molecular consequence: missense variant.
Genome position (GRCh38, 1-based): chr1:155,904,381, C>T on the plus strand (G>A on the coding strand, the complement: RIT1 is on the minus strand). VCF-style: chr1-155904381-C-T. GRCh37 (hg19) VCF-style: chr1-155874172-C-T.
Other names: c.251G>A, p.Arg84Gln (NM_001256820.2); c.410G>A, p.Arg137Gln (NM_001256821.2); short protein forms R120Q, R137Q, R84Q.
Identifiers: ClinVar variation 1733049 (VCV001733049.9), dbSNP rs753425443, ClinGen allele CA1151804.
Genomic context (GRCh38, chr1:155,904,381, plus strand): 5'-TGTTTGAGGTCTGACTTGTTTCCCACAAGAACCACAGGTGTATCGTCAGTACGTCGGACT[C>T]GATAAATAAGCTGTTTAAACTCACGAACTTCATGGAAACTTCGACGATCCGTGATAGAGT-3'
Protein context (NP_008843.1, residues 110-130): EVREFKQLIY[Arg120Gln]VRRTDDTPVV

ClinVar aggregate classification (germline): Uncertain significance. Review status: criteria provided, multiple submitters, no conflicts (2 of 4 stars). 3 submissions from 3 submitters: Uncertain significance (3). Last evaluated 2026-01-01.

Conditions:
Cardiovascular phenotype. Identifiers: MedGen CN230736.
Noonan syndrome 8 (NS8). Identifiers: Orphanet 648, MedGen C3809233, MONDO:0014143, OMIM 615355.

Allele frequency attached by ClinVar (database versions not stated): ExAC 0.00001.
gnomAD v4.1: 12 of 1,613,914 alleles (0.00074%); highest among the groups gnomAD compares: Admixed American, 0.0017%; no homozygotes.

Submissions (3):

Labcorp Genetics (formerly Invitae), Labcorp
Classification: Uncertain significance for Noonan syndrome 8. Last evaluated: 2026-01-01. Review status: criteria provided, single submitter. Criteria: Invitae Variant Classification Sherloc (09022015). Collection method: clinical testing. Allele origin: germline.
Comment: This sequence change replaces arginine, which is basic and polar, with glutamine, which is neutral and polar, at codon 120 of the RIT1 protein (p.Arg120Gln). This variant is present in population databases (rs753425443, gnomAD 0.002%). This variant has not been reported in the literature in individuals affected with RIT1-related conditions. ClinVar contains an entry for this variant (Variation ID: 1733049). Invitae Evidence Modeling of protein sequence and biophysical properties (such as structural, functional, and spatial information, amino acid conservation, physicochemical variation, residue mobility, and thermodynamic stability) indicates that this missense variant is not expected to disrupt RIT1 protein function with a negative predictive value of 95%. In summary, the available evidence is currently insufficient to determine the role of this variant in disease. Therefore, it has been classified as a Variant of Uncertain Significance.

Ambry Genetics
Classification: Uncertain significance for Cardiovascular phenotype. Last evaluated: 2025-05-27. Review status: criteria provided, single submitter. Criteria: Ambry Variant Classification Scheme 2023. Collection method: clinical testing. Allele origin: germline.
Comment: The p.R120Q variant (also known as c.359G>A), located in coding exon 4 of the RIT1 gene, results from a G to A substitution at nucleotide position 359. The arginine at codon 120 is replaced by glutamine, an amino acid with highly similar properties. This amino acid position is highly conserved in available vertebrate species. In addition, this alteration is predicted to be tolerated by in silico analysis. Since supporting evidence is limited at this time, the clinical significance of this alteration remains unclear.

Genome-Nilou Lab
Classification: Uncertain significance for Noonan syndrome 8. Last evaluated: 2023-04-11. Review status: criteria provided, single submitter. Criteria: ACMG Guidelines, 2015. Collection method: clinical testing. Allele origin: germline. Affected: no.